The following is an entry in ClinVar:

ClinVar aggregate classification (germline): Uncertain significance (1 of 4 stars; one submission).

Allele frequency attached by ClinVar (database versions not stated): gnomAD exomes below 0.00001; TOPMed below 0.00001; gnomAD 0.00001.

Submission:

Ambry Genetics
Classification: Uncertain significance. Last evaluated: 2022-04-08. Review status: criteria provided, single submitter. Criteria: Ambry Variant Classification Scheme 2023. Collection method: clinical testing. Allele origin: germline.
Comment: The p.P21S variant (also known as c.61C>T), located in coding exon 1 of the IKBKAP gene, results from a C to T substitution at nucleotide position 61. The proline at codon 21 is replaced by serine, an amino acid with similar properties. This amino acid position is conserved. In addition, this alteration is predicted to be tolerated by in silico analysis. Since supporting evidence is limited at this time, the clinical significance of this alteration remains unclear.

NM_003640.5(ELP1):c.61C>T (p.Pro21Ser)

Gene: ELP1 (elongator acetyltransferase complex subunit 1; minus strand). Cytogenetic location: 9q31.3.
Variant type: single nucleotide variant.
Coding change: c.61C>T on transcript NM_003640.5 (MANE Select); coding-DNA position 61, C replaced by T.
Protein change: p.Pro21Ser; replaces proline 21 with serine.
Molecular consequence: missense variant. On other transcripts: 5 prime UTR variant (1), intron variant (1).
Genome position (GRCh38, 1-based): chr9:108,931,086, G>A on the plus strand (C>T on the coding strand, the complement: ELP1 is on the minus strand). VCF-style: chr9-108931086-G-A. GRCh37 (hg19) VCF-style: chr9-111693366-G-A.
Other names: c.-799C>T (NM_001330749.2); c.-252-30C>T (NM_001318360.2); short protein forms P21S.
Identifiers: ClinVar variation 1800064 (VCV001800064.2), dbSNP rs1228229738, ClinGen allele CA374395093.
Genomic context (GRCh38, chr9:108,931,086, plus strand): 5'-GGCCATGTTCTGAACCAATGAGCACCGTCCCCTGTTCAGTTCGGAGAGAGAAGCACTGAG[G>A]ATTCCCTGGACCTTGAATATCCCTGAACTCCAGGGTCCGAAATAATTTCAGATTTCGCAT-3'
Protein context (NP_003631.2, residues 11-31): EFRDIQGPGN[Pro21Ser]QCFSLRTEQG